The following is an entry in ClinVar:

NM_001844.5(COL2A1):c.326C>G (p.Pro109Arg)

Gene: COL2A1 (collagen type II alpha 1 chain; minus strand). Cytogenetic location: 12q13.11.
Variant type: single nucleotide variant.
Coding change: c.326C>G on transcript NM_001844.5 (MANE Select); coding-DNA position 326, C replaced by G.
Protein change: p.Pro109Arg; replaces proline 109 with arginine.
Molecular consequence: missense variant.
Genome position (GRCh38, 1-based): chr12:47,998,185, G>C on the plus strand (C>G on the coding strand, the complement: COL2A1 is on the minus strand). VCF-style: chr12-47998185-G-C. GRCh37 (hg19) VCF-style: chr12-48391968-G-C.
Other names: c.119C>G, p.Pro40Arg (NM_033150.3); short protein forms P109R, P40R.
Identifiers: ClinVar variation 1284427 (VCV001284427.9), dbSNP rs140120720, ClinGen allele CA6536016.
Genomic context (GRCh38, chr12:47,998,185, plus strand): 5'-TAGAGCAGCAGCTGCAATACCGGGTGAGAATAATTTGCACTTACATCCTTGATGTCTCCA[G>C]GTTCTCCTTTCTGTCCCTGAAACATGAAACATTCACAGGATTAAGCCGAGTAAGCCCACT-3'
Protein context (NP_001835.3, residues 99-119): QPGPKGQKGE[Pro109Arg]GDIKDIVGPK

ClinVar aggregate classification (germline): Uncertain significance. Review status: criteria provided, single submitter (1 of 4 stars). 3 submissions from 3 submitters: Uncertain significance (1). 2 of the submissions do not count toward it. Last evaluated 2025-09-01.

Allele frequency attached by ClinVar (database versions not stated): gnomAD exomes below 0.00001 and 0.00001; ExAC 0.00001; gnomAD 0.00001; ESP Exome Variant Server 0.00008.
gnomAD v4.1: 8 of 1,613,996 alleles (0.0005%); highest among the groups gnomAD compares: East Asian, 0.0067%; no homozygotes.

Submissions (3):

Labcorp Genetics (formerly Invitae), Labcorp
Classification: Uncertain significance. Last evaluated: 2025-09-01. Review status: criteria provided, single submitter. Criteria: Invitae Variant Classification Sherloc (09022015). Collection method: clinical testing. Allele origin: germline.
Comment: This sequence change replaces proline, which is neutral and non-polar, with arginine, which is basic and polar, at codon 109 of the COL2A1 protein (p.Pro109Arg). This variant is present in population databases (rs140120720, gnomAD 0.01%). This variant has not been reported in the literature in individuals affected with COL2A1-related conditions. ClinVar contains an entry for this variant (Variation ID: 1284427). Invitae Evidence Modeling of protein sequence and biophysical properties (such as structural, functional, and spatial information, amino acid conservation, physicochemical variation, residue mobility, and thermodynamic stability) has been performed for this missense variant. However, the output from this modeling did not meet the statistical confidence thresholds required to predict the impact of this variant on COL2A1 protein function. In summary, the available evidence is currently insufficient to determine the role of this variant in disease. Therefore, it has been classified as a Variant of Uncertain Significance.

Clinical Genetics, Academic Medical Center
Classification: Likely benign. Review status: no assertion criteria provided. Collection method: clinical testing. Allele origin: germline. Affected: yes. Study: VKGL Data-share Consensus. Not counted in ClinVar's aggregate classification.

Joint Genome Diagnostic Labs from Nijmegen and Maastricht, Radboudumc and MUMC+
Classification: Likely benign. Review status: no assertion criteria provided. Collection method: clinical testing. Allele origin: germline. Affected: yes. Study: VKGL Data-share Consensus. Not counted in ClinVar's aggregate classification.